The following is an entry in ClinVar:

ClinVar aggregate classification (germline): Likely benign. Review status: criteria provided, multiple submitters, no conflicts (2 of 4 stars). 3 submissions from 3 submitters: Likely benign (2). 1 of the submissions does not count toward it. Last evaluated 2024-09-21.

Conditions:
KMT2D-related disorder. Also called: KMT2D-Related Disorders.
Kabuki syndrome. Also called: NIIKAWA-KUROKI SYNDROME; Kabuki make-up syndrome. Identifiers: Orphanet 2322, MedGen C0796004, MONDO:0016512.

Allele frequency attached by ClinVar (database versions not stated): gnomAD 0.00001; TOPMed 0.00001; gnomAD exomes 0.00003 and 0.00007; ESP Exome Variant Server 0.00008.
gnomAD v4.1: 97 of 1,613,082 alleles (0.006%); highest among the groups gnomAD compares: Non-Finnish European, 0.0078%; no homozygotes.

Submissions (3):

Labcorp Genetics (formerly Invitae), Labcorp
Classification: Likely benign for Kabuki syndrome. Last evaluated: 2024-09-21. Review status: criteria provided, single submitter. Criteria: Invitae Variant Classification Sherloc (09022015). Collection method: clinical testing. Allele origin: germline.

Blueprint Genetics
Classification: Likely benign. Last evaluated: 2023-12-21. Review status: criteria provided, single submitter. Criteria: ACMG Guidelines, 2015. Collection method: clinical testing. Allele origin: germline.

PreventionGenetics, part of Exact Sciences
Classification: Likely benign for KMT2D-related condition. Last evaluated: 2024-05-15. Review status: no assertion criteria provided. Collection method: clinical testing. Allele origin: germline. Not counted in ClinVar's aggregate classification.
Comment: This variant is classified as likely benign based on ACMG/AMP sequence variant interpretation guidelines (Richards et al. 2015 PMID: 25741868, with internal and published modifications).

NM_003482.4(KMT2D):c.5640A>G (p.Thr1880=)

Gene: KMT2D (lysine methyltransferase 2D; minus strand). Cytogenetic location: 12q13.12.
Variant type: single nucleotide variant.
Coding change: c.5640A>G on transcript NM_003482.4 (MANE Select); coding-DNA position 5640, A replaced by G.
Protein change: p.Thr1880=; no amino-acid change (threonine 1880 retained).
Molecular consequence: synonymous variant.
Genome position (GRCh38, 1-based): chr12:49,043,080, T>C on the plus strand (A>G on the coding strand, the complement: KMT2D is on the minus strand). VCF-style: chr12-49043080-T-C. GRCh37 (hg19) VCF-style: chr12-49436863-T-C.
Identifiers: ClinVar variation 779580 (VCV000779580.10), dbSNP rs377233700, ClinGen allele CA236612750.
Genomic context (GRCh38, chr12:49,043,080, plus strand): 5'-CCTCCTTCTCCCATAGAAAACCCTTATACACAAAGAGGTACGGGTCACAGCCTCACCTTC[T>C]GTGGAAATCCTGTCTAAGTCAGAGCTAAGCATCCCTTCACCTGGGGTGCCTGGCTTCTCA-3'
Protein context (NP_003473.3, residues 1870-1890): MLSSDLDRIS[Thr1880=]EELPKMESKD